The following is an entry in ClinVar:

ClinVar aggregate classification (germline): Pathogenic. Review status: criteria provided, multiple submitters, no conflicts (2 of 4 stars). 6 submissions from 6 submitters: Pathogenic (5). 1 of the submissions does not count toward it. Last evaluated 2025-08-21.

Conditions:
Sialuria. Also called: SIALURIA, FRENCH TYPE; Sialic Acid Storage Disease. Identifiers: Orphanet 3166, MedGen C0342853, MONDO:0010028, OMIM 269921.
GNE myopathy (NM). Also called: INCLUSION BODY MYOPATHY, HEREDITARY, AUTOSOMAL RECESSIVE; INCLUSION BODY MYOPATHY 2, AUTOSOMAL RECESSIVE; NONAKA DISTAL MYOPATHY; IBM 2; Inclusion body myopathy autosomal recessive; Inclusion body myopathy quadriceps sparing. Identifiers: Orphanet 602, MedGen C1853926, MONDO:0011603, OMIM 605820.

Allele frequency attached by ClinVar (database versions not stated): gnomAD exomes below 0.00001.

Submissions (6):

Natera, Inc.
Classification: Pathogenic for Nonaka myopathy. Last evaluated: 2025-08-21. Review status: criteria provided, single submitter. Criteria: Natera Variant Classification Schema (03/2026). Collection method: clinical testing. Allele origin: germline.
Comment: The c.1399C>T variant in GNE is a nonsense variant predicted to introduce a stop codon at amino acid 467. This variant is expected to result in nonsense mediated decay, truncation, or a dysfunctional protein product. This variant is rare in the general population with a frequency below the threshold expected for the associated phenotype(s). This variant has been observed in one or more individuals affected with the associated recessive disease, as either homozygous or compound heterozygous with a second variant (PMID: 20059379). Given the available evidence, this variant is classified as Pathogenic.

Baylor Genetics
Classification: Pathogenic for GNE myopathy. Last evaluated: 2024-02-17. Review status: criteria provided, single submitter. Criteria: ACMG Guidelines, 2015. Collection method: clinical testing. Allele origin: unknown.

Fulgent Genetics
Classification: Pathogenic for Sialuria; GNE myopathy. Last evaluated: 2022-05-02. Review status: criteria provided, single submitter. Criteria: ACMG Guidelines, 2015. Collection method: clinical testing. Allele origin: unknown.

Labcorp Genetics (formerly Invitae), Labcorp
Classification: Pathogenic for Sialuria; GNE myopathy. Last evaluated: 2022-04-28. Review status: criteria provided, single submitter. Criteria: Invitae Variant Classification Sherloc (09022015). Collection method: clinical testing. Allele origin: germline.
Comment: For these reasons, this variant has been classified as Pathogenic. ClinVar contains an entry for this variant (Variation ID: 188916). This premature translational stop signal has been observed in individual(s) with clinical features of autosomal recessive GNE-related myopathy (PMID: 30390020). This variant is present in population databases (rs786204558, gnomAD 0.006%). This sequence change creates a premature translational stop signal (p.Gln467*) in the GNE gene. It is expected to result in an absent or disrupted protein product. Loss-of-function variants in GNE are known to be pathogenic (PMID: 24027297).

Juno Genomics, Hangzhou Juno Genomics, Inc
Classification: Pathogenic for GNE myopathy; Sialuria. Review status: criteria provided, single submitter. Criteria: ACMG Guidelines, 2015. Collection method: clinical testing. Allele origin: germline. Affected: yes.
Comment: Null variant in a gene where loss of function (LOF) is a known mechanism of disease.;Absent from controls (or at extremely low frequency if recessive) in Genome Aggregation Database, Exome Sequencing Project, 1000 Genomes Project, or Exome Aggregation Consortium.;For recessive disorders, detected in trans with a pathogenic variant.

Counsyl
Classification: Likely pathogenic for Inclusion body myopathy 2. Last evaluated: 2014-08-08. Review status: no assertion criteria provided. Collection method: literature only. Allele origin: unknown. Inheritance: Autosomal recessive inheritance. Not counted in ClinVar's aggregate classification.

Literature cited by the submitters: PubMed 20059379 (cited by Natera, Inc. and Counsyl); PubMed 30390020 (cited by Labcorp Genetics (formerly Invitae), Labcorp); PubMed 24027297 (cited by Labcorp Genetics (formerly Invitae), Labcorp).

NM_005476.7(GNE):c.1306C>T (p.Gln436Ter)

Gene: GNE (glucosamine (UDP-N-acetyl)-2-epimerase/N-acetylmannosamine kinase; minus strand). Cytogenetic location: 9p13.3.
Variant type: single nucleotide variant.
Coding change: c.1306C>T on transcript NM_005476.7 (MANE Select); coding-DNA position 1306, C replaced by T.
Protein change: p.Gln436Ter; replaces glutamine 436 with a stop codon.
Molecular consequence: nonsense.
Genome position (GRCh38, 1-based): chr9:36,223,478, G>A on the plus strand (C>T on the coding strand, the complement: GNE is on the minus strand). VCF-style: chr9-36223478-G-A. GRCh37 (hg19) VCF-style: chr9-36223475-G-A.
Other names: c.1399C>T, p.Gln467Ter (NM_001128227.3); c.1306C>T, p.Gln436Ter (NM_001190383.3); c.976C>T, p.Gln326Ter (NM_001190384.3); c.1129C>T, p.Gln377Ter (NM_001190388.2, NM_001374798.1); c.1153C>T, p.Gln385Ter (NM_001374797.1); c.1399C>T (NM_001128227.2); short protein forms Q436*, Q467*, Q326*, Q385*, Q377*.
Identifiers: ClinVar variation 188916 (VCV000188916.13), dbSNP rs786204558, ClinGen allele CA274118.